The following is an entry in ClinVar:

ClinVar aggregate classification (germline): Uncertain significance (1 of 4 stars; one submission).

Conditions:
Renal cell carcinoma. Identifiers: Orphanet 217071, MedGen C0007134, MeSH D002292, MONDO:0005086, HP:0005584.

Allele frequency attached by ClinVar (database versions not stated): ExAC 0.00001; gnomAD exomes 0.00001 and 0.00002.
gnomAD v4.1: 6 of 1,614,036 alleles (0.00037%); highest among the groups gnomAD compares: South Asian, 0.0066%; no homozygotes.

Submission:

Labcorp Genetics (formerly Invitae), Labcorp
Classification: Uncertain significance for Renal cell carcinoma. Last evaluated: 2021-02-17. Review status: criteria provided, single submitter. Criteria: Invitae Variant Classification Sherloc (09022015). Collection method: clinical testing. Allele origin: germline.
Comment: Algorithms developed to predict the effect of missense changes on protein structure and function (SIFT, PolyPhen-2, Align-GVGD) all suggest that this variant is likely to be tolerated, but these predictions have not been confirmed by published functional studies and their clinical significance is uncertain. In summary, the available evidence is currently insufficient to determine the role of this variant in disease. Therefore, it has been classified as a Variant of Uncertain Significance. This variant has not been reported in the literature in individuals with MET-related conditions. This variant is present in population databases (rs760339018, ExAC 0.009%). This sequence change replaces aspartic acid with alanine at codon 1394 of the MET protein (p.Asp1394Ala). The aspartic acid residue is moderately conserved and there is a moderate physicochemical difference between aspartic acid and alanine.

NM_000245.4(MET):c.4127A>C (p.Asp1376Ala)

Gene: MET (MET proto-oncogene, receptor tyrosine kinase; plus strand). Cytogenetic location: 7q31.2.
Variant type: single nucleotide variant.
Coding change: c.4127A>C on transcript NM_000245.4 (MANE Select); coding-DNA position 4127, A replaced by C.
Protein change: p.Asp1376Ala; replaces aspartic acid 1376 with alanine.
Molecular consequence: missense variant.
Genome position (GRCh38, 1-based): chr7:116,796,078, A>C. VCF-style: chr7-116796078-A-C. GRCh37 (hg19) VCF-style: chr7-116436132-A-C.
Other names: c.4181A>C, p.Asp1394Ala (NM_001127500.3); c.2837A>C, p.Asp946Ala (NM_001324402.2); short protein forms D1376A, D946A, D1394A.
Identifiers: ClinVar variation 1525069 (VCV001525069.8), dbSNP rs760339018, ClinGen allele CA4448834.